The following is an entry in ClinVar:

ClinVar aggregate classification (germline): Benign/Likely benign. Review status: criteria provided, multiple submitters, no conflicts (2 of 4 stars). 7 submissions from 6 submitters: Benign (2); Likely benign (2). 3 of the submissions do not count toward it. Last evaluated 2026-02-02.

Conditions:
Nephronophthisis. Also called: Juvenile Nephronophthisis. Identifiers: Orphanet 655, MedGen C0687120, MONDO:0019005, HP:0000090.
Senior-Loken syndrome 4 (SLSN4). Identifiers: Orphanet 3156, MedGen C1846979, MONDO:0011756, OMIM 606996.
Nephronophthisis 4 (NPHP4). Also called: NEPHRONOPHTHISIS 4, JUVENILE. Identifiers: Orphanet 655, MedGen C1847013, MONDO:0011752, OMIM 606966.
NPHP4-related disorder. Also called: NPHP4-related disorders; NPHP4-related condition. Identifiers: MedGen CN239384.

Allele frequency attached by ClinVar (database versions not stated): 1000 Genomes Project 30x 0.00078; 1000 Genomes Project 0.00080; TOPMed 0.00267; gnomAD exomes 0.00337; ESP Exome Variant Server 0.00365; gnomAD 0.00367.
gnomAD v4.1: 6,530 of 1,591,020 alleles (0.41%); highest among the groups gnomAD compares: Non-Finnish European, 0.49%; 32 homozygotes.

Submissions (7):

Labcorp Genetics (formerly Invitae), Labcorp
Classification: Benign for Nephronophthisis. Last evaluated: 2026-02-02. Review status: criteria provided, single submitter. Criteria: Invitae Variant Classification Sherloc (09022015). Collection method: clinical testing. Allele origin: germline.

Mayo Clinic Laboratories, Mayo Clinic
Classification: Likely benign. Last evaluated: 2025-06-26. Review status: criteria provided, single submitter. Criteria: ACMG Guidelines, 2015. Collection method: clinical testing. Allele origin: germline. Observed: 2 variant alleles.
Comment: BS1, BP4, BP7

Illumina Laboratory Services, Illumina
Classification: Likely benign for Nephronophthisis 4. Last evaluated: 2018-01-12. Review status: criteria provided, single submitter. Criteria: ICSL Variant Classification Criteria 13 December 2019. Collection method: clinical testing. Allele origin: germline.
Comment: This variant was observed in the ICSL laboratory as part of a predisposition screen in an ostensibly healthy population. It had not been previously curated by ICSL or reported in the Human Gene Mutation Database (HGMD: prior to June 1st, 2018), and was therefore a candidate for classification through an automated scoring system. Utilizing variant allele frequency, disease prevalence and penetrance estimates, and inheritance mode, an automated score was calculated to assess if this variant is too frequent to cause the disease. Based on the score and internal cut-off values, a variant classified as likely benign is not then subjected to further curation. The score for this variant resulted in a classification of likely benign for this disease.

Illumina Laboratory Services, Illumina
Classification: Benign for Senior-Loken syndrome 4. Last evaluated: 2018-01-12. Review status: criteria provided, single submitter. Criteria: ICSL Variant Classification Criteria 13 December 2019. Collection method: clinical testing. Allele origin: germline.
Comment: This variant was observed in the ICSL laboratory as part of a predisposition screen in an ostensibly healthy population. It had not been previously curated by ICSL or reported in the Human Gene Mutation Database (HGMD: prior to June 1st, 2018), and was therefore a candidate for classification through an automated scoring system. Utilizing variant allele frequency, disease prevalence and penetrance estimates, and inheritance mode, an automated score was calculated to assess if this variant is too frequent to cause the disease. Based on the score and internal cut-off values, a variant classified as benign is not then subjected to further curation. The score for this variant resulted in a classification of benign for this disease.

PreventionGenetics, part of Exact Sciences
Classification: Benign for NPHP4-related condition. Last evaluated: 2019-11-20. Review status: no assertion criteria provided. Collection method: clinical testing. Allele origin: germline. Not counted in ClinVar's aggregate classification.
Comment: This variant is classified as benign based on ACMG/AMP sequence variant interpretation guidelines (Richards et al. 2015 PMID: 25741868, with internal and published modifications).

Clinical Genetics, Academic Medical Center
Classification: Benign. Review status: no assertion criteria provided. Collection method: clinical testing. Allele origin: germline. Affected: yes. Study: VKGL Data-share Consensus. Not counted in ClinVar's aggregate classification.

Genome Diagnostics Laboratory, University Medical Center Utrecht
Classification: Benign. Review status: no assertion criteria provided. Collection method: clinical testing. Allele origin: germline. Affected: yes. Study: VKGL Data-share Consensus. Not counted in ClinVar's aggregate classification.

NM_015102.5(NPHP4):c.1503+10G>A

Gene: NPHP4 (nephrocystin 4; minus strand). Cytogenetic location: 1p36.31.
Variant type: single nucleotide variant.
Coding change: c.1503+10G>A on transcript NM_015102.5 (MANE Select); 10 bases into the intron after coding-DNA position 1503, G replaced by A.
Molecular consequence: intron variant.
Genome position (GRCh38, 1-based): chr1:5,909,142, C>T on the plus strand (G>A on the coding strand, the complement: NPHP4 is on the minus strand). VCF-style: chr1-5909142-C-T. GRCh37 (hg19) VCF-style: chr1-5969202-C-T.
Other names: p.?; c.76-3359G>A (NM_001291594.2); c.76-3362G>A (NM_001291593.2).
Identifiers: ClinVar variation 297819 (VCV000297819.20), dbSNP rs41307782, ClinGen allele CA554479.